The following is an entry in ClinVar:

NM_177438.3(DICER1):c.3048T>C (p.Ser1016=)

Gene: DICER1 (dicer 1, ribonuclease III; minus strand). Cytogenetic location: 14q32.13.
Variant type: single nucleotide variant.
Coding change: c.3048T>C on transcript NM_177438.3 (MANE Select); coding-DNA position 3048, T replaced by C.
Protein change: p.Ser1016=; no amino-acid change (serine 1016 retained).
Molecular consequence: synonymous variant.
Genome position (GRCh38, 1-based): chr14:95,105,723, A>G on the plus strand (T>C on the coding strand, the complement: DICER1 is on the minus strand). VCF-style: chr14-95105723-A-G. GRCh37 (hg19) VCF-style: chr14-95572060-A-G.
Other names: c.3048T>C, p.Ser1016= (NM_001195573.1, NM_001271282.3, NM_001291628.2 and 1 more transcripts); c.3048T>C (NM_177438.2).
Identifiers: ClinVar variation 1581484 (VCV001581484.11), dbSNP rs1393673577, ClinGen allele CA487844486.

ClinVar aggregate classification (germline): Likely benign. Review status: criteria provided, multiple submitters, no conflicts (2 of 4 stars). 3 submissions from 3 submitters: Likely benign (3). Last evaluated 2025-04-27.

Conditions:
Hereditary cancer-predisposing syndrome. Also called: Neoplastic Syndromes, Hereditary; Hereditary neoplastic syndrome; Hereditary Cancer Syndrome; Tumor predisposition. Identifiers: Orphanet 140162, MedGen C0027672, MeSH D009386, MONDO:0015356.
DICER1-related tumor predisposition. Also called: DICER1-related pleuropulmonary blastoma cancer predisposition syndrome; DICER1 syndrome. Identifiers: Orphanet 284343, MedGen C3839822, MONDO:0100216.

Allele frequency attached by ClinVar (database versions not stated): gnomAD exomes below 0.00001.
gnomAD v4.1: 2 of 1,614,198 alleles (0.00012%); highest among the groups gnomAD compares: African/African-American, 0.0013%; no homozygotes.

Submissions (3):

Labcorp Genetics (formerly Invitae), Labcorp
Classification: Likely benign for DICER1-related tumor predisposition. Last evaluated: 2025-04-27. Review status: criteria provided, single submitter. Criteria: Invitae Variant Classification Sherloc (09022015). Collection method: clinical testing. Allele origin: germline.

Ambry Genetics
Classification: Likely benign for Hereditary cancer-predisposing syndrome. Last evaluated: 2025-03-29. Review status: criteria provided, single submitter. Criteria: Ambry Variant Classification Scheme 2023. Collection method: clinical testing. Allele origin: germline.

Hereditary Cancer Group, L’Institut d'Investigació Biomèdica de Bellvitge
Classification: Likely benign for Hereditary cancer-predisposing syndrome. Last evaluated: 2024-12-19. Review status: criteria provided, single submitter. Criteria: Hatton et al. (Hum Mutat. 2023). Collection method: clinical testing. Allele origin: germline. Inheritance: Autosomal dominant inheritance. Affected: yes.
Comment: PM2_supporting, BP4, BP7